The following is an entry in ClinVar:

ClinVar aggregate classification (germline): Uncertain significance (1 of 4 stars; one submission).

Submission:

Labcorp Genetics (formerly Invitae), Labcorp
Classification: Uncertain significance. Last evaluated: 2023-05-15. Review status: criteria provided, single submitter. Criteria: Invitae Variant Classification Sherloc (09022015). Collection method: clinical testing. Allele origin: germline.
Comment: ClinVar contains an entry for this variant (Variation ID: 1463956). This sequence change replaces phenylalanine, which is neutral and non-polar, with cysteine, which is neutral and slightly polar, at codon 328 of the SLC1A4 protein (p.Phe328Cys). This variant is not present in population databases (gnomAD no frequency). This variant has not been reported in the literature in individuals affected with SLC1A4-related conditions. Advanced modeling of protein sequence and biophysical properties (such as structural, functional, and spatial information, amino acid conservation, physicochemical variation, residue mobility, and thermodynamic stability) performed at Invitae indicates that this missense variant is expected to disrupt SLC1A4 protein function. In summary, the available evidence is currently insufficient to determine the role of this variant in disease. Therefore, it has been classified as a Variant of Uncertain Significance.

NM_003038.5(SLC1A4):c.983T>G (p.Phe328Cys)

Gene: SLC1A4 (solute carrier family 1 member 4; plus strand). Cytogenetic location: 2p14.
Variant type: single nucleotide variant.
Coding change: c.983T>G on transcript NM_003038.5 (MANE Select); coding-DNA position 983, T replaced by G.
Protein change: p.Phe328Cys; replaces phenylalanine 328 with cysteine.
Molecular consequence: missense variant. On other transcripts: intron variant (1).
Genome position (GRCh38, 1-based): chr2:65,016,622, T>G. VCF-style: chr2-65016622-T-G. GRCh37 (hg19) VCF-style: chr2-65243756-T-G.
Other names: c.323T>G, p.Phe108Cys (NM_001348406.2, NM_001348407.2); c.141-1449T>G (NM_001193493.2); short protein forms F108C, F328C.
Identifiers: ClinVar variation 1463956 (VCV001463956.8), dbSNP rs781726519, ClinGen allele CA347008808.